The following is an entry in ClinVar:

ClinVar aggregate classification (germline): Uncertain significance. Review status: criteria provided, multiple submitters, no conflicts (2 of 4 stars). 4 submissions from 4 submitters: Uncertain significance (4). Last evaluated 2025-05-21.

Conditions:
Proteinuria, chronic benign. Identifiers: MedGen C5394384, MONDO:0030042, OMIM 618884.
Imerslund-Grasbeck syndrome type 1 (IGS1). Also called: Megaloblastic anemia 1, Finnish type; Imerslund-Gräsbeck syndrome 1; MEGALOBLASTIC ANEMIA, 1. Identifiers: MedGen C4016819, MONDO:0100156, OMIM 261100.
Inborn genetic diseases. Identifiers: MedGen C0950123, MeSH D030342.
Imerslund-Grasbeck syndrome. Also called: ENTEROCYTE COBALAMIN MALABSORPTION; ENTEROCYTE INTRINSIC FACTOR RECEPTOR, DEFECT OF; Megaloblastic anemia due to inborn errors of metabolism; PERNICIOUS ANEMIA, JUVENILE, DUE TO SELECTIVE INTESTINAL MALABSORPTION OF VITAMIN B12, WITH PROTEINURIA; Imerslund-Gräsbeck syndrome. Identifiers: Orphanet 35858, MedGen C4551825, MONDO:0009853.

gnomAD v4.1: 1 of 1,613,964 alleles (0.000062%); no homozygotes.

Submissions (4):

Ambry Genetics
Classification: Uncertain significance for Inborn genetic diseases. Last evaluated: 2025-05-21. Review status: criteria provided, single submitter. Criteria: Ambry Variant Classification Scheme 2023. Collection method: clinical testing. Allele origin: germline.

Blueprint Genetics
Classification: Uncertain significance. Last evaluated: 2024-05-06. Review status: criteria provided, single submitter. Criteria: ACMG Guidelines, 2015. Collection method: clinical testing. Allele origin: germline.

Fulgent Genetics
Classification: Uncertain significance for Imerslund-Grasbeck syndrome type 1; Proteinuria, chronic benign. Last evaluated: 2024-04-15. Review status: criteria provided, single submitter. Criteria: ACMG Guidelines, 2015. Collection method: clinical testing. Allele origin: germline.

Labcorp Genetics (formerly Invitae), Labcorp
Classification: Uncertain significance for Imerslund-Grasbeck syndrome. Last evaluated: 2023-11-07. Review status: criteria provided, single submitter. Criteria: Invitae Variant Classification Sherloc (09022015). Collection method: clinical testing. Allele origin: germline.
Comment: This sequence change replaces glutamic acid, which is acidic and polar, with lysine, which is basic and polar, at codon 1959 of the CUBN protein (p.Glu1959Lys). This variant is not present in population databases (gnomAD no frequency). This variant has not been reported in the literature in individuals affected with CUBN-related conditions. Advanced modeling of protein sequence and biophysical properties (such as structural, functional, and spatial information, amino acid conservation, physicochemical variation, residue mobility, and thermodynamic stability) performed at Invitae indicates that this missense variant is not expected to disrupt CUBN protein function with a negative predictive value of 80%. In summary, the available evidence is currently insufficient to determine the role of this variant in disease. Therefore, it has been classified as a Variant of Uncertain Significance.

NM_001081.4(CUBN):c.5875G>A (p.Glu1959Lys)

Gene: CUBN (cubilin; minus strand). Cytogenetic location: 10p13.
Variant type: single nucleotide variant.
Coding change: c.5875G>A on transcript NM_001081.4 (MANE Select); coding-DNA position 5875, G replaced by A.
Protein change: p.Glu1959Lys; replaces glutamic acid 1959 with lysine.
Molecular consequence: missense variant.
Genome position (GRCh38, 1-based): chr10:16,937,643, C>T on the plus strand (G>A on the coding strand, the complement: CUBN is on the minus strand). VCF-style: chr10-16937643-C-T. GRCh37 (hg19) VCF-style: chr10-16979642-C-T.
Other names: short protein forms E1959K.
Identifiers: ClinVar variation 2721523 (VCV002721523.4), dbSNP rs928768082, ClinGen allele CA203583990.
Genomic context (GRCh38, chr10:16,937,643, plus strand): 5'-CAAACACACCTGGAGCAATGGTAGGTAAAACACCATCAGGTGCATCCACTGCAAACCACT[C>T]CAGAAGGAATCCCTTCCCTGAGATTGAAGAGTCGGAGTAAAAATGAAATGTCAAAGAATT-3'
Protein context (NP_001072.2, residues 1949-1969): SSISGKGFLL[Glu1959Lys]WFAVDAPDGV